The following is an entry in ClinVar:

ClinVar aggregate classification (germline): Uncertain significance (1 of 4 stars; one submission).

gnomAD v4.1: 7 of 1,614,194 alleles (0.00043%); highest among the groups gnomAD compares: African/African-American, 0.0013%; no homozygotes.

Submission:

Labcorp Genetics (formerly Invitae), Labcorp
Classification: Uncertain significance. Last evaluated: 2024-05-10. Review status: criteria provided, single submitter. Criteria: Invitae Variant Classification Sherloc (09022015). Collection method: clinical testing. Allele origin: germline.
Comment: This sequence change replaces aspartic acid, which is acidic and polar, with asparagine, which is neutral and polar, at codon 47 of the CASQ1 protein (p.Asp47Asn). This variant is present in population databases (rs753139131, gnomAD 0.007%). This variant has not been reported in the literature in individuals affected with CASQ1-related conditions. Advanced modeling of protein sequence and biophysical properties (such as structural, functional, and spatial information, amino acid conservation, physicochemical variation, residue mobility, and thermodynamic stability) performed at Invitae indicates that this missense variant is not expected to disrupt CASQ1 protein function with a negative predictive value of 80%. In summary, the available evidence is currently insufficient to determine the role of this variant in disease. Therefore, it has been classified as a Variant of Uncertain Significance.

NM_001231.5(CASQ1):c.139G>A (p.Asp47Asn)

Gene: CASQ1 (calsequestrin 1; plus strand). Cytogenetic location: 1q23.2.
Variant type: single nucleotide variant.
Coding change: c.139G>A on transcript NM_001231.5 (MANE Select); coding-DNA position 139, G replaced by A.
Protein change: p.Asp47Asn; replaces aspartic acid 47 with asparagine.
Molecular consequence: missense variant.
Genome position (GRCh38, 1-based): chr1:160,190,890, G>A. VCF-style: chr1-160190890-G-A. GRCh37 (hg19) VCF-style: chr1-160160680-G-A.
Other names: short protein forms D47N.
Identifiers: ClinVar variation 3701343 (VCV003701343.2).